The following is an entry in ClinVar:

NM_006231.4(POLE):c.454T>G (p.Tyr152Asp)

Gene: POLE (DNA polymerase epsilon, catalytic subunit; minus strand). Cytogenetic location: 12q24.33.
Variant type: single nucleotide variant.
Coding change: c.454T>G on transcript NM_006231.4 (MANE Select); coding-DNA position 454, T replaced by G.
Protein change: p.Tyr152Asp; replaces tyrosine 152 with aspartic acid.
Molecular consequence: missense variant.
Genome position (GRCh38, 1-based): chr12:132,679,621, A>C on the plus strand (T>G on the coding strand, the complement: POLE is on the minus strand). VCF-style: chr12-132679621-A-C. GRCh37 (hg19) VCF-style: chr12-133256207-A-C.
Other names: short protein forms Y152D.
Identifiers: ClinVar variation 2840137 (VCV002840137.3), dbSNP rs2542188809, ClinGen allele CA387367482.

ClinVar aggregate classification (germline): Uncertain significance (1 of 4 stars; one submission).

Submission:

Labcorp Genetics (formerly Invitae), Labcorp
Classification: Uncertain significance. Last evaluated: 2023-02-23. Review status: criteria provided, single submitter. Criteria: Invitae Variant Classification Sherloc (09022015). Collection method: clinical testing. Allele origin: germline.
Comment: In summary, the available evidence is currently insufficient to determine the role of this variant in disease. Therefore, it has been classified as a Variant of Uncertain Significance. Advanced modeling of protein sequence and biophysical properties (such as structural, functional, and spatial information, amino acid conservation, physicochemical variation, residue mobility, and thermodynamic stability) performed at Invitae indicates that this missense variant is expected to disrupt POLE protein function. This variant has not been reported in the literature in individuals affected with POLE-related conditions. This variant is not present in population databases (gnomAD no frequency). This sequence change replaces tyrosine, which is neutral and polar, with aspartic acid, which is acidic and polar, at codon 152 of the POLE protein (p.Tyr152Asp).